The following is an entry in ClinVar:

NM_001267550.2(TTN):c.98319T>G (p.Tyr32773Ter)

Genes: TTN-AS1 (TTN antisense RNA 1; plus strand), TTN (titin; minus strand). Cytogenetic location: 2q31.2.
Variant type: single nucleotide variant.
Coding change: c.98319T>G on transcript NM_001267550.2 (MANE Select); coding-DNA position 98319, T replaced by G.
Protein change: p.Tyr32773Ter; replaces tyrosine 32773 with a stop codon.
Molecular consequence: nonsense. On other transcripts: non-coding transcript variant (1).
Genome position (GRCh38, 1-based): chr2:178,539,746, A>C on the plus strand (T>G on the coding strand, the complement: TTN is on the minus strand). VCF-style: chr2-178539746-A-C. GRCh37 (hg19) VCF-style: chr2-179404473-A-C.
Other names: c.93396T>G, p.Tyr31132Ter (NM_001256850.1); c.71124T>G, p.Tyr23708Ter (NM_003319.4); c.90615T>G, p.Tyr30205Ter (NM_133378.4); c.71499T>G, p.Tyr23833Ter (NM_133432.3); c.71700T>G, p.Tyr23900Ter (NM_133437.4); short protein forms Y23900*, Y23833*, Y23708*, Y30205*, Y32773*, Y31132*.
Identifiers: ClinVar variation 1757230 (VCV001757230.2), dbSNP rs183278868, ClinGen allele CA349432894.
Genomic context (GRCh38, chr2:178,539,746, plus strand): 5'-TATCACCCTGACCTTGATGTAGACAGCCTTCTTGCCACATTTATTTTCCAGAACCAGGTC[A>C]TAAGTGCCAGAATCACCCCTGTCTGCTTCTTTGATCACAAGCTCAGTGTGTGTTTCAGAT-3'

ClinVar aggregate classification (germline): Pathogenic (1 of 4 stars; one submission).

Conditions:
Cardiovascular phenotype. Identifiers: MedGen CN230736.

Submission:

Ambry Genetics
Classification: Pathogenic for Cardiovascular phenotype. Last evaluated: 2022-06-06. Review status: criteria provided, single submitter. Criteria: Ambry Variant Classification Scheme 2023. Collection method: clinical testing. Allele origin: germline.
Comment: The p.Y23708* variant (also known as c.71124T>G), located in coding exon 179 of the TTN gene, results from a T to G substitution at nucleotide position 71124. This changes the amino acid from a tyrosine to a stop codon within coding exon 179. This exon is located in the A-band region of the N2-B isoform of the titin protein and is constitutively expressed in TTN transcripts (percent spliced in or PSI 100%). This alteration is expected to result in loss of function by premature protein truncation or nonsense-mediated mRNA decay. This variant is considered to be rare based on population cohorts in the Genome Aggregation Database (gnomAD). While truncating variants in TTN are present in 1-3% of the general population, truncating variants in the A-band are the most common cause of dilated cardiomyopathy (DCM) (Herman DS et al. N. Engl. J. Med., 2012 Feb;366:619-28; Roberts AM et al. Sci Transl Med, 2015 Jan;7:270ra6). TTN truncating variants encoded in constitutive exons (PSI >90%) have been found to be significantly associated with DCM regardless of their position in titin (Schafer S et al. Nat. Genet., 2017 01;49:46-53). Based on the supporting evidence, this alteration is interpreted as a disease-causing mutation.